The following is an entry in ClinVar:

NM_201596.3(CACNB2):c.804+7T>C

Gene: CACNB2 (calcium voltage-gated channel auxiliary subunit beta 2; plus strand). Cytogenetic location: 10p12.31.
Variant type: single nucleotide variant.
Coding change: c.804+7T>C on transcript NM_201596.3 (MANE Select); 7 bases into the intron after coding-DNA position 804, T replaced by C.
Molecular consequence: intron variant.
Genome position (GRCh38, 1-based): chr10:18,514,376, T>C. VCF-style: chr10-18514376-T-C. GRCh37 (hg19) VCF-style: chr10-18803305-T-C.
Other names: c.720+7T>C (NM_201571.4); c.587-135T>C (NM_001167945.2); c.587-604T>C (NM_201572.4); c.671-135T>C (NM_201593.3); c.671-604T>C (NM_201597.3); c.639+7T>C (NM_000724.4); c.506-135T>C (NM_001330060.2); c.642+7T>C (NM_201590.3); and 2 more.
Identifiers: ClinVar variation 4988955 (VCV004988955.1).

ClinVar aggregate classification (germline): Likely benign (1 of 4 stars; one submission).

Conditions:
CACNB2-related disorder. Also called: CACNB2-related condition.

Submission:

PreventionGenetics, part of Exact Sciences
Classification: Likely benign for CACNB2-related condition. Last evaluated: 2026-02-06. Review status: criteria provided, single submitter. Criteria: ACMG Guidelines, 2015. Collection method: clinical testing. Allele origin: germline.
Comment: This variant is classified as likely benign based on ACMG/AMP sequence variant interpretation guidelines (Richards et al. 2015 PMID: 25741868, with internal and published modifications).